The following is an entry in ClinVar:

ClinVar aggregate classification (germline): Benign (1 of 4 stars; one submission).

Submission:

Laboratory for Molecular Medicine, Mass General Brigham Personalized Medicine
Classification: Benign. Last evaluated: 2016-03-29. Review status: criteria provided, single submitter. Criteria: LMM Criteria. Collection method: clinical testing. Allele origin: germline.
Comment: Variant identified in a genome or exome case(s) and assessed due to predicted null impact of the variant or pathogenic assertions in the literature or databases. Disclaimer: This variant has not undergone full assessment. The following are preliminary notes: Frequency

NM_006644.4(HSPH1):c.1138-4del

Gene: HSPH1 (heat shock protein family H (Hsp110) member 1; minus strand). Cytogenetic location: 13q12.3.
Variant type: Deletion.
Coding change: c.1138-4del on transcript NM_006644.4 (MANE Select); 4 bases into the intron before coding-DNA position 1138, one base deleted (T; older notation c.1138-4delT).
Molecular consequence: intron variant.
Genome position (GRCh38, 1-based): chr13:31,148,484, A deleted on the plus strand (T on the coding strand, the reverse complement: HSPH1 is on the minus strand); the first of 17 consecutive A bases (chr13:31,148,484-31,148,500); deleting any one gives the same sequence. VCF-style (leftmost placement, unchanged base first): chr13-31148483-TA-T. GRCh37 (hg19) VCF-style: chr13-31722620-TA-T.
Other names: c.1138-4del (NM_001286503.2, NM_001349704.2); c.910-4del (NM_001286505.1); c.1144-4del (NM_001286504.1).
Identifiers: ClinVar variation 402951 (VCV000402951.4), dbSNP rs35594388, ClinGen allele CA6935965.